The following is an entry in ClinVar:

ClinVar aggregate classification (germline): Benign/Likely benign. Review status: criteria provided, multiple submitters, no conflicts (2 of 4 stars). 2 submissions from 2 submitters: Benign (1); Likely benign (1). Last evaluated 2025-11-01.

Conditions:
Oxoglutaricaciduria. Identifiers: Orphanet 31, MedGen C2752074, MONDO:0008759, OMIM 203740.

Allele frequency attached by ClinVar (database versions not stated): 1000 Genomes Project 0.00040; 1000 Genomes Project 30x 0.00047; TOPMed 0.00100; gnomAD 0.00103; ESP Exome Variant Server 0.00123; gnomAD exomes 0.00146; ExAC 0.00182.
gnomAD v4.1: 2,741 of 1,614,228 alleles (0.17%); highest among the groups gnomAD compares: Non-Finnish European, 0.21%; 4 homozygotes.

Submissions (2):

Labcorp Genetics (formerly Invitae), Labcorp
Classification: Benign for Oxoglutaricaciduria. Last evaluated: 2025-11-01. Review status: criteria provided, single submitter. Criteria: Invitae Variant Classification Sherloc (09022015). Collection method: clinical testing. Allele origin: germline.

CeGaT Center for Human Genetics Tuebingen
Classification: Likely benign. Last evaluated: 2025-01-01. Review status: criteria provided, single submitter. Criteria: CeGaT Center For Human Genetics Tuebingen Variant Classification Criteria Version 2. Collection method: clinical testing. Allele origin: germline. Affected: yes. Observed: 3 variant alleles.
Comment: OGDH: BP4, BP7

NM_002541.4(OGDH):c.1968G>A (p.Ala656=)

Gene: OGDH (oxoglutarate dehydrogenase; plus strand). Cytogenetic location: 7p13.
Variant type: single nucleotide variant.
Coding change: c.1968G>A on transcript NM_002541.4 (MANE Select); coding-DNA position 1968, G replaced by A.
Protein change: p.Ala656=; no amino-acid change (alanine 656 retained).
Molecular consequence: synonymous variant.
Genome position (GRCh38, 1-based): chr7:44,696,981, G>A. VCF-style: chr7-44696981-G-A. GRCh37 (hg19) VCF-style: chr7-44736580-G-A.
Other names: c.1956G>A, p.Ala652= (NM_001165036.2); c.2001G>A, p.Ala667= (NM_001363523.2).
Identifiers: ClinVar variation 786390 (VCV000786390.51), dbSNP rs61756582, ClinGen allele CA4243985.